The following is an entry in ClinVar:

NM_178857.6(RP1L1):c.4004_4005insT (p.Val1336fs)

Gene: RP1L1 (RP1 like 1). Cytogenetic location: 8p23.1.
Variant type: Insertion.
Coding change: c.4004_4005insT on transcript NM_178857.6 (MANE Select); coding-DNA positions 4004 to 4005, T inserted.
Protein change: p.Val1336fs; shifts the reading frame from valine 1336.
Molecular consequence: frameshift variant.
Genome position: GRCh38 VCF-style: chr8-10610093-C-CA. GRCh37 (hg19) VCF-style: chr8-10467603-C-CA.
Other names: short protein forms V1336fs.
Identifiers: ClinVar variation 522779 (VCV000522779.7), dbSNP rs781490139, ClinGen allele CA4624223.
Genomic context (GRCh38, chr8:10,610,093, plus strand): 5'-CTGCGCCTCTTCTTCTTGCTGTCCTTCTCCTTCTGTTTCTTTAGTTTCCTCTAACTGCAC[C>CA]CCCTCTTCTTGCAGCCCTTCTTCTGTTTTAGTTTCCTCTAACTGCACCGCCTCTTCTTGC-3'

ClinVar aggregate classification (germline): Conflicting classifications of pathogenicity. Review status: criteria provided, conflicting classifications (1 of 4 stars). 2 submissions from 2 submitters: Likely pathogenic (1); Uncertain significance (1). Last evaluated 2020-05-03.

Conditions:
Retinitis pigmentosa 88. Identifiers: MedGen C5394208, MONDO:0032940, OMIM 618826.
Occult macular dystrophy (OCMD). Also called: OMD; OCCULT MACULAR DYSTROPHY, SUSCEPTIBILITY TO. Identifiers: Orphanet 247834, MedGen C3150833, MONDO:0013316, OMIM 613587, HP:0030636.

Allele frequency attached by ClinVar (database versions not stated): ExAC 0.00003; gnomAD exomes 0.00003; gnomAD 0.00036 and 0.00038.

Submissions (2):

Genomic Research Center, Shahid Beheshti University of Medical Sciences
Classification: Uncertain significance for Occult macular dystrophy. Last evaluated: 2020-05-03. Review status: criteria provided, single submitter. Criteria: ACMG Guidelines, 2015. Collection method: clinical testing. Allele origin: unknown. Affected: yes.

Centre for Mendelian Genomics, University Medical Centre Ljubljana
Classification: Likely pathogenic for Retinitis pigmentosa 88. Last evaluated: 2020-03-21. Review status: criteria provided, single submitter. Criteria: ACMG Guidelines, 2015. Collection method: clinical testing. Allele origin: unknown. Affected: yes.
Comment: This variant was classified as: Likely pathogenic. The following ACMG criteria were applied in classifying this variant: PS1,PM4.